The following is an entry in ClinVar:

ClinVar aggregate classification (germline): Benign. Review status: criteria provided, multiple submitters, no conflicts (2 of 4 stars). 2 submissions from 2 submitters: Benign (2). Last evaluated 2018-06-16.

Allele frequency attached by ClinVar (database versions not stated): 1000 Genomes Project 30x 0.07542; 1000 Genomes Project 0.08007; TOPMed 0.08797; gnomAD 0.09399 and 0.09420; ESP Exome Variant Server 0.09488; gnomAD exomes 0.10066 and 0.11288; ExAC 0.10450.
gnomAD v4.1: 160,183 of 1,447,420 alleles (11%); highest among the groups gnomAD compares: Non-Finnish European, 12%; 9,402 homozygotes.

Submissions (2):

GeneDx
Classification: Benign. Last evaluated: 2018-06-16. Review status: criteria provided, single submitter. Criteria: GeneDx Variant Classification (06012015). Collection method: clinical testing. Allele origin: germline. Affected: yes.
Comment: This variant is considered likely benign or benign based on one or more of the following criteria: it is a conservative change, it occurs at a poorly conserved position in the protein, it is predicted to be benign by multiple in silico algorithms, and/or has population frequency not consistent with disease.

Breakthrough Genomics
Classification: Benign. Review status: criteria provided, single submitter. Criteria: ACMG Guidelines, 2015. Collection method: not provided. Allele origin: germline. Inheritance: Autosomal dominant inheritance. Affected: yes.

NM_012470.4(TNPO3):c.2179-50T>C

Gene: TNPO3 (transportin 3; minus strand). Cytogenetic location: 7q32.1.
Variant type: single nucleotide variant.
Coding change: c.2179-50T>C on transcript NM_012470.4 (MANE Select); 50 bases into the intron before coding-DNA position 2179, T replaced by C.
Molecular consequence: intron variant.
Genome position (GRCh38, 1-based): chr7:128,975,012, A>G on the plus strand (T>C on the coding strand, the complement: TNPO3 is on the minus strand). VCF-style: chr7-128975012-A-G. GRCh37 (hg19) VCF-style: chr7-128615066-A-G.
Other names: c.2035-50T>C (NM_001382221.1); c.2032-50T>C (NM_001382222.1); c.2071-50T>C (NM_001382219.1); c.1987-50T>C (NM_001382223.1, NM_001191028.3); c.2038-50T>C (NM_001382220.1); c.2179-50T>C (NM_001382218.1); c.2281-50T>C (NM_001382216.1); c.2260-50T>C (NM_001382217.1).
Identifiers: ClinVar variation 672292 (VCV000672292.2), dbSNP rs2293492, ClinGen allele CA4477946.